The following is an entry in ClinVar:

ClinVar aggregate classification (germline): Uncertain significance (1 of 4 stars; one submission).

Allele frequency attached by ClinVar (database versions not stated): TOPMed below 0.00001.
gnomAD v4.1: 4 of 1,557,268 alleles (0.00026%); highest among the groups gnomAD compares: South Asian, 0.0024%; no homozygotes.

Submission:

Ambry Genetics
Classification: Uncertain significance. Last evaluated: 2023-07-13. Review status: criteria provided, single submitter. Criteria: Ambry Variant Classification Scheme 2023. Collection method: clinical testing. Allele origin: germline.
Comment: The p.R244K variant (also known as c.731G>A), located in coding exon 3 of the GALNT12 gene, results from a G to A substitution at nucleotide position 731. The arginine at codon 244 is replaced by lysine, an amino acid with highly similar properties. However, this change occurs in the last base pair of coding exon 3 and may have some effect on normal mRNA splicing. This nucleotide position is highly conserved in available vertebrate species. In silico splice site analysis predicts that this alteration may weaken the native splice donor site and may result in the creation or strengthening of a novel splice donor site. This amino acid position is highly conserved in available vertebrate species. In addition, as a missense substitution this is predicted to be inconclusive by in silico analysis. Since supporting evidence is limited at this time, the clinical significance of this alteration remains unclear.

NM_024642.5(GALNT12):c.731G>A (p.Arg244Lys)

Gene: GALNT12 (polypeptide N-acetylgalactosaminyltransferase 12; plus strand). Cytogenetic location: 9q22.33.
Variant type: single nucleotide variant.
Coding change: c.731G>A on transcript NM_024642.5 (MANE Select); coding-DNA position 731, G replaced by A.
Protein change: p.Arg244Lys; replaces arginine 244 with lysine.
Molecular consequence: missense variant.
Genome position (GRCh38, 1-based): chr9:98,826,941, G>A. VCF-style: chr9-98826941-G-A. GRCh37 (hg19) VCF-style: chr9-101589223-G-A.
Other names: short protein forms R244K.
Identifiers: ClinVar variation 1758304 (VCV001758304.3), dbSNP rs1463662077, ClinGen allele CA374217866.